The following is an entry in ClinVar:

ClinVar aggregate classification (germline): Uncertain significance (1 of 4 stars; one submission).

Conditions:
Hereditary cancer-predisposing syndrome. Also called: Tumor predisposition; Hereditary Cancer Syndrome; Hereditary neoplastic syndrome; Neoplastic Syndromes, Hereditary. Identifiers: Orphanet 140162, MedGen C0027672, MeSH D009386, MONDO:0015356.

Submission:

Ambry Genetics
Classification: Uncertain significance for Hereditary cancer-predisposing syndrome. Last evaluated: 2024-03-20. Review status: criteria provided, single submitter. Criteria: Ambry Variant Classification Scheme 2023. Collection method: clinical testing. Allele origin: germline.
Comment: The p.P961T variant (also known as c.2881C>A), located in coding exon 17 of the DICER1 gene, results from a C to A substitution at nucleotide position 2881. The proline at codon 961 is replaced by threonine, an amino acid with highly similar properties. This amino acid position is conserved. In addition, the in silico prediction for this alteration is inconclusive. Based on the available evidence, the clinical significance of this alteration remains unclear.

NM_177438.3(DICER1):c.2881C>A (p.Pro961Thr)

Gene: DICER1 (dicer 1, ribonuclease III; minus strand). Cytogenetic location: 14q32.13.
Variant type: single nucleotide variant.
Coding change: c.2881C>A on transcript NM_177438.3 (MANE Select); coding-DNA position 2881, C replaced by A.
Protein change: p.Pro961Thr; replaces proline 961 with threonine.
Molecular consequence: missense variant. On other transcripts: non-coding transcript variant (6).
Genome position (GRCh38, 1-based): chr14:95,106,147, G>T on the plus strand (C>A on the coding strand, the complement: DICER1 is on the minus strand). VCF-style: chr14-95106147-G-T. GRCh37 (hg19) VCF-style: chr14-95572484-G-T.
Other names: c.2881C>A, p.Pro961Thr (NM_001195573.1, NM_001271282.3, NM_001291628.2 and 12 more transcripts); c.2599C>A, p.Pro867Thr (NM_001395686.1); c.2476C>A, p.Pro826Thr (NM_001395687.1, NM_001395688.1, NM_001395689.1 and 2 more transcripts); c.2314C>A, p.Pro772Thr (NM_001395691.1); c.1198C>A, p.Pro400Thr (NM_001395697.1); short protein forms P961T, P772T, P826T, P400T, P867T.
Identifiers: ClinVar variation 3271980 (VCV003271980.1).